The following is an entry in ClinVar:

ClinVar aggregate classification (germline): Uncertain significance. Review status: criteria provided, multiple submitters, no conflicts (2 of 4 stars). 2 submissions from 2 submitters: Uncertain significance (2). Last evaluated 2025-05-17.

Conditions:
Inborn genetic diseases. Identifiers: MedGen C0950123, MeSH D030342.
Kabuki syndrome. Also called: Kabuki make-up syndrome; NIIKAWA-KUROKI SYNDROME. Identifiers: Orphanet 2322, MedGen C0796004, MONDO:0016512.

gnomAD v4.1: 1 of 1,544,768 alleles (0.000065%); no homozygotes.

Submissions (2):

Ambry Genetics
Classification: Uncertain significance for Inborn genetic diseases. Last evaluated: 2025-05-17. Review status: criteria provided, single submitter. Criteria: Ambry Variant Classification Scheme 2023. Collection method: clinical testing. Allele origin: germline.

Labcorp Genetics (formerly Invitae), Labcorp
Classification: Uncertain significance for Kabuki syndrome. Last evaluated: 2024-05-11. Review status: criteria provided, single submitter. Criteria: Invitae Variant Classification Sherloc (09022015). Collection method: clinical testing. Allele origin: germline.
Comment: This sequence change replaces leucine, which is neutral and non-polar, with glutamine, which is neutral and polar, at codon 806 of the KMT2D protein (p.Leu806Gln). This variant is not present in population databases (gnomAD no frequency). This variant has not been reported in the literature in individuals affected with KMT2D-related conditions. Advanced modeling of protein sequence and biophysical properties (such as structural, functional, and spatial information, amino acid conservation, physicochemical variation, residue mobility, and thermodynamic stability) has been performed at Invitae for this missense variant, however the output from this modeling did not meet the statistical confidence thresholds required to predict the impact of this variant on KMT2D protein function. In summary, the available evidence is currently insufficient to determine the role of this variant in disease. Therefore, it has been classified as a Variant of Uncertain Significance.

NM_003482.4(KMT2D):c.2417T>A (p.Leu806Gln)

Gene: KMT2D (lysine methyltransferase 2D; minus strand). Cytogenetic location: 12q13.12.
Variant type: single nucleotide variant.
Coding change: c.2417T>A on transcript NM_003482.4 (MANE Select); coding-DNA position 2417, T replaced by A.
Protein change: p.Leu806Gln; replaces leucine 806 with glutamine.
Molecular consequence: missense variant.
Genome position (GRCh38, 1-based): chr12:49,051,266, A>T on the plus strand (T>A on the coding strand, the complement: KMT2D is on the minus strand). VCF-style: chr12-49051266-A-T. GRCh37 (hg19) VCF-style: chr12-49445049-A-T.
Other names: short protein forms L806Q.
Identifiers: ClinVar variation 3691955 (VCV003691955.3).